The following is an entry in ClinVar:

ClinVar aggregate classification (germline): Pathogenic. Review status: criteria provided, single submitter (1 of 4 stars). 2 submissions from 2 submitters: Pathogenic (1). 1 of the submissions does not count toward it. Last evaluated 2026-01-09.

Conditions:
Autosomal recessive Robinow syndrome (RRS1). Also called: ROBINOW SYNDROME, AUTOSOMAL RECESSIVE 1; COSTOVERTEBRAL SEGMENTATION DEFECT WITH MESOMELIA; COVESDEM SYNDROME; ROR2-Related Robinow Syndrome. Identifiers: Orphanet 1507, Orphanet 97360, MedGen C5399974, MONDO:0009999, OMIM 268310.

Submissions (2):

Dasa
Classification: Pathogenic. Last evaluated: 2026-01-09. Review status: criteria provided, single submitter. Criteria: DASA Assertion Criteria. Collection method: clinical testing. Allele origin: germline.
Comment: NM_004560.4(ROR2):c.717C>A (p.Cys239*) introduces a premature termination codon predicted to result in loss of normal protein function. Loss-of-function is an established mechanism of disease for this gene. This variant has been observed in affected individuals with related phenotype in a genotype context consistent with recessive disease (PMID: 35344616). This variant has been reported in individuals with related phenotype (PMID: 35344616). The variant is present at low frequency in population datasets. Based on the available data, this variant is classified as pathogenic.

Lupski Lab, Baylor-Hopkins CMG, Baylor College of Medicine
Classification: Likely pathogenic for Autosomal recessive Robinow syndrome. Review status: no assertion criteria provided. Collection method: research. Allele origin: unknown. Affected: yes. Observed: 1 variant allele. Not counted in ClinVar's aggregate classification.

Literature cited by the submitters: PubMed 35344616 (cited by Dasa).

NM_004560.4(ROR2):c.717C>A (p.Cys239Ter)

Gene: ROR2 (receptor tyrosine kinase like orphan receptor 2; minus strand). Cytogenetic location: 9q22.31.
Variant type: single nucleotide variant.
Coding change: c.717C>A on transcript NM_004560.4 (MANE Select); coding-DNA position 717, C replaced by A.
Protein change: p.Cys239Ter; replaces cysteine 239 with a stop codon.
Molecular consequence: nonsense.
Genome position (GRCh38, 1-based): chr9:91,733,342, G>T on the plus strand (C>A on the coding strand, the complement: ROR2 is on the minus strand). VCF-style: chr9-91733342-G-T. GRCh37 (hg19) VCF-style: chr9-94495624-G-T.
Other names: c.717C>A, p.Cys239Ter (NM_001318204.2); short protein forms C239*.
Identifiers: ClinVar variation 983462 (VCV000983462.2), dbSNP rs56302651, ClinGen allele CA373801228.